The following is an entry in ClinVar:

ClinVar aggregate classification (germline): Uncertain significance (1 of 4 stars; one submission).

Submission:

GeneDx
Classification: Uncertain significance. Last evaluated: 2014-07-28. Review status: criteria provided, single submitter. Criteria: GeneDx Variant Classification (06012015). Collection method: clinical testing. Allele origin: germline. Affected: yes.
Comment: p.Gly354Trp (GGG>TGG): c.1060 G>T in exon 7 of the KCNQ3 gene (NM_004519.2) The G354W variant has not been published as a mutation, nor has it been reported as a benign polymorphism to our knowledge. It was not observed in approximately 6,500 individuals of European and African American ancestry in the NHLBI Exome Sequencing Project, indicating it is not a common benign variant in these populations. The G354W variant is a semi-conservative amino acid substitution, which may impact secondary protein structure as these residues differ in some properties. This substitution alters a conserved position in the predicted C-terminal cytoplasmic domain of the KCNQ3 protein, and in silico analysis predicts this variant is probably damaging to the protein structure/function. However, missense mutations in nearby residues have not been reported in association with KCNQ3-related disorders. Therefore, based on the currently available information, it is unclear whether this variant is a pathogenic mutation or a rare benign variant. The variant is found in INFANT-EPI panel(s).

NM_004519.4(KCNQ3):c.1060G>T (p.Gly354Trp)

Gene: KCNQ3 (potassium voltage-gated channel subfamily Q member 3; minus strand). Cytogenetic location: 8q24.22.
Variant type: single nucleotide variant.
Coding change: c.1060G>T on transcript NM_004519.4 (MANE Select); coding-DNA position 1060, G replaced by T.
Protein change: p.Gly354Trp; replaces glycine 354 with tryptophan.
Molecular consequence: missense variant.
Genome position (GRCh38, 1-based): chr8:132,172,678, C>A on the plus strand (G>T on the coding strand, the complement: KCNQ3 is on the minus strand). VCF-style: chr8-132172678-C-A. GRCh37 (hg19) VCF-style: chr8-133184925-C-A.
Other names: p.G354W:GGG>TGG; c.700G>T, p.Gly234Trp (NM_001204824.2); short protein forms G354W, G234W.
Identifiers: ClinVar variation 205968 (VCV000205968.2), dbSNP rs796052680, ClinGen allele CA315603.